The following continues an entry in ClinVar:

NM_000059.4(BRCA2):c.5482_5486del (p.Lys1828fs)

Gene: BRCA2. ClinVar aggregate classification (germline): Pathogenic. Pathogenic (1).

Submissions 11 to 16 of 16:

Laboratory for Genotyping Development, RIKEN
Classification: Pathogenic for Gastric cancer. Last evaluated: 2021-07-01. Review status: no assertion criteria provided. Collection method: research. Allele origin: germline. Not counted in ClinVar's aggregate classification.

Research Molecular Genetics Laboratory, Women's College Hospital, University of Toronto
Classification: Pathogenic for Hereditary breast ovarian cancer syndrome. Last evaluated: 2014-01-31. Review status: no assertion criteria provided. Collection method: research. Allele origin: germline. Affected: yes. Study: The Canadian Open Genetics Repository (COGR). Not counted in ClinVar's aggregate classification.

Biesecker Lab/Clinical Genomics Section, National Institutes of Health
Classification: Pathogenic for Breast-ovarian cancer, familial. Last evaluated: 2012-07-13. Review status: no assertion criteria provided. Collection method: research. Allele origin: germline. Affected: no. Observed: 1 variant allele. Study: ClinSeq. Not counted in ClinVar's aggregate classification.
ClinVar note: Converted during submission from pathogenic to Pathogenic.

Sharing Clinical Reports Project (SCRP)
Classification: Pathogenic for Breast-ovarian cancer, familial 2. Last evaluated: 2012-05-01. Review status: no assertion criteria provided. Collection method: clinical testing. Allele origin: germline. Not counted in ClinVar's aggregate classification.

Breast Cancer Information Core (BIC) (BRCA2)
Classification: Pathogenic for Breast-ovarian cancer, familial 2. Last evaluated: 2002-05-29. Review status: no assertion criteria provided. Collection method: clinical testing. Allele origin: germline. Affected: yes. Observed: 4 variant alleles. Not counted in ClinVar's aggregate classification.

Department of Pathology and Laboratory Medicine, Sinai Health System
Classification: Pathogenic. Review status: no assertion criteria provided. Collection method: clinical testing. Allele origin: unknown. Affected: yes. Observed: 1 variant allele. Study: The Canadian Open Genetics Repository (COGR). Not counted in ClinVar's aggregate classification.
Comment: The p.Lys1828ValfsX4 variant was identified in the literature in a French family with hereditary breast or ovarian cancer (Lecarpentier 2012). The variant was also identified in the GeneInsight COGR database (classified as pathogenic by a clinical laboratory); UMD (2X, classified as â€šÃ„Ãºcausalâ€šÃ„Ã¹); the BIC database (4X, with clinical significance), and the ClinVar database (classified as pathogenic by the Biesecker Laboratory - ClinSeq Project, Sharing Clinical Reports Project, BIC, and Ambry Genetics). The p.Lys1828ValfsX4 deletion variant is predicted to cause a frameshift, which alters the protein's amino acid sequence beginning at codon 1828 and leads to a premature stop codon 4 codons downstream. This alteration is then predicted to result in a truncated or absent protein and loss of function. In summary, based on the above information, this variant meets our laboratoryâ€šÃ„Ã´s criteria to be classified as pathogenic.

Literature cited by the submitters: PubMed 26187060 (cited by 6 submitters); PubMed 29446198 (cited by Women's Health and Genetics/Laboratory Corporation of America, LabCorp); PubMed 30287823 (cited by 5 submitters); PubMed 11149425 (cited by 3 submitters); PubMed 20104584 (cited by Labcorp Genetics (formerly Invitae), Labcorp); PubMed 36988593 (cited by Laboratory for Genotyping Development, RIKEN).